The following is an entry in ClinVar:

ClinVar aggregate classification (germline): Uncertain significance (1 of 4 stars; one submission).

Conditions:
Inborn genetic diseases. Identifiers: MedGen C0950123, MeSH D030342.

Allele frequency attached by ClinVar (database versions not stated): gnomAD exomes below 0.00001; TOPMed below 0.00001.
gnomAD v4.1: 1 of 1,614,196 alleles (0.000062%); highest among the groups gnomAD compares: Non-Finnish European, 0.000085%; no homozygotes.

Submission:

Ambry Genetics
Classification: Uncertain significance for Inborn genetic diseases. Last evaluated: 2024-03-06. Review status: criteria provided, single submitter. Criteria: Ambry Variant Classification Scheme 2023. Collection method: clinical testing. Allele origin: germline.
Comment: The p.Y310C variant (also known as c.929A>G), located in coding exon 4 of the ATR gene, results from an A to G substitution at nucleotide position 929. The tyrosine at codon 310 is replaced by cysteine, an amino acid with highly dissimilar properties. This amino acid position is conserved. In addition, this alteration is predicted to be tolerated by in silico analysis. Based on the available evidence, the clinical significance of this alteration remains unclear.

NM_001184.4(ATR):c.929A>G (p.Tyr310Cys)

Gene: ATR (ATR checkpoint kinase; minus strand). Cytogenetic location: 3q23.
Variant type: single nucleotide variant.
Coding change: c.929A>G on transcript NM_001184.4 (MANE Select); coding-DNA position 929, A replaced by G.
Protein change: p.Tyr310Cys; replaces tyrosine 310 with cysteine.
Molecular consequence: missense variant.
Genome position (GRCh38, 1-based): chr3:142,562,473, T>C on the plus strand (A>G on the coding strand, the complement: ATR is on the minus strand). VCF-style: chr3-142562473-T-C. GRCh37 (hg19) VCF-style: chr3-142281315-T-C.
Other names: c.929A>G, p.Tyr310Cys (NM_001354579.2); short protein forms Y310C.
Identifiers: ClinVar variation 3221311 (VCV003221311.1), dbSNP rs2034917520, ClinGen allele CA354824609.
Genomic context (GRCh38, chr3:142,562,473, plus strand): 5'-TCAAACATGACACAGAGTTTTTCCAGCAGCATATTTAAATAGACAGGTTCAATATTTCTA[T>C]AAGCTTCTGCTTCAAAGGGAAATAGTGTCTTTATCAGCTTTGATAATGGCTCTTCATAGA-3'
Protein context (NP_001175.2, residues 300-320): KTLFPFEAEA[Tyr310Cys]RNIEPVYLNM